The following is an entry in ClinVar:

NM_000487.6(ARSA):c.1200C>T (p.Phe400=)

Gene: ARSA (arylsulfatase A; minus strand). Cytogenetic location: 22q13.33.
Variant type: single nucleotide variant.
Coding change: c.1200C>T on transcript NM_000487.6 (MANE Select); coding-DNA position 1200, C replaced by T.
Protein change: p.Phe400=; no amino-acid change (phenylalanine 400 retained).
Molecular consequence: synonymous variant.
Genome position (GRCh38, 1-based): chr22:50,625,589, G>A on the plus strand (C>T on the coding strand, the complement: ARSA is on the minus strand). VCF-style: chr22-50625589-G-A. GRCh37 (hg19) VCF-style: chr22-51064017-G-A.
Other names: F400L; c.1200C>T, p.Phe400= (NM_001085425.3, NM_001085426.3, NM_001085427.3); c.942C>T, p.Phe314= (NM_001085428.3, NM_001362782.2).
Identifiers: ClinVar variation 973789 (VCV000973789.3), dbSNP rs1175674325, ClinGen allele CA515391473.
Genomic context (GRCh38, chr22:50,625,589, plus strand): 5'-CCGGGGAGGGGTCAGCAGGTCGGGGGGAGGGATCCACGGGGAGGGGTTACCCTGGGTGAA[G>A]AAGTGAGCCTTGTACTTTCCAGTCCGCACAGCAAAAACCCCACGGACCTCGTCTGGGTAG-3'
Protein context (NP_000478.3, residues 390-410): AVRTGKYKAH[Phe400=]FTQGSAHSDT

ClinVar aggregate classification (germline): Likely pathogenic. Review status: criteria provided, single submitter (1 of 4 stars). 2 submissions from 2 submitters: Likely pathogenic (1). 1 of the submissions does not count toward it. Last evaluated 2020-06-24.

Conditions:
Metachromatic leukodystrophy (MLD). Also called: ARSA DEFICIENCY; CEREBROSIDE SULFATASE DEFICIENCY; Cerebral sclerosis diffuse metachromatic form; SULFATIDE LIPIDOSIS; Arylsulfatase A Deficiency; METACHROMATIC LEUKOENCEPHALOPATHY. Identifiers: Orphanet 512, MedGen C0023522, MONDO:0018868, OMIM 250100.

Submissions (2):

Amsterdam Leukodystrophy Center, Amsterdam UMC
Classification: Likely pathogenic for Metachromatic leukodystrophy. Last evaluated: 2020-06-24. Review status: criteria provided, single submitter. Criteria: ACMG Guidelines, 2015. Collection method: clinical testing. Allele origin: inherited. Affected: yes.
Comment: Homozygous - novel (late-juvenile MLD)

Myelin Disorders Clinic-Children's Medical Center/Medical Genetics Lab-Tarbiat Modares University, Children's Medical Center, Pediatrics Center of Excellence,
Classification: Uncertain significance for Metachromatic leukodystrophy. Review status: no assertion criteria provided. Collection method: clinical testing. Allele origin: inherited. Inheritance: Autosomal recessive inheritance. Affected: yes. Not counted in ClinVar's aggregate classification.

Literature cited by the submitters: PubMed 32632536 (cited by Amsterdam Leukodystrophy Center, Amsterdam UMC).